The following is an entry in ClinVar:

ClinVar aggregate classification (germline): Likely benign (0 of 4 stars; one submission).

Conditions:
SPEN-related disorder. Also called: SPEN-related condition.

Allele frequency attached by ClinVar (database versions not stated): 1000 Genomes Project 30x 0.00016; 1000 Genomes Project 0.00020; ExAC 0.00023; gnomAD 0.00070; ESP Exome Variant Server 0.00154.
gnomAD v4.1: 223 of 1,614,044 alleles (0.014%); highest among the groups gnomAD compares: African/African-American, 0.29%; 1 homozygote.

Submission:

PreventionGenetics, part of Exact Sciences
Classification: Likely benign for SPEN-related condition. Last evaluated: 2019-07-10. Review status: no assertion criteria provided. Collection method: clinical testing. Allele origin: germline.
Comment: This variant is classified as likely benign based on ACMG/AMP sequence variant interpretation guidelines (Richards et al. 2015 PMID: 25741868, with internal and published modifications).

NM_015001.3(SPEN):c.8889C>T (p.Pro2963=)

Gene: SPEN (spen family transcriptional repressor; plus strand). Cytogenetic location: 1p36.13.
Variant type: single nucleotide variant.
Coding change: c.8889C>T on transcript NM_015001.3 (MANE Select); coding-DNA position 8889, C replaced by T.
Protein change: p.Pro2963=; no amino-acid change (proline 2963 retained).
Molecular consequence: synonymous variant.
Genome position (GRCh38, 1-based): chr1:15,935,129, C>T. VCF-style: chr1-15935129-C-T. GRCh37 (hg19) VCF-style: chr1-16261624-C-T.
Identifiers: ClinVar variation 3050388 (VCV003050388.2), dbSNP rs151181793, ClinGen allele CA620358.